The following is an entry in ClinVar:

NM_001371986.1(UNC80):c.7169A>T (p.Glu2390Val)

Gene: UNC80 (unc-80 subunit of NALCN channel complex; plus strand). Cytogenetic location: 2q34.
Variant type: single nucleotide variant.
Coding change: c.7169A>T on transcript NM_001371986.1 (MANE Select); coding-DNA position 7169, A replaced by T.
Protein change: p.Glu2390Val; replaces glutamic acid 2390 with valine.
Molecular consequence: missense variant.
Genome position (GRCh38, 1-based): chr2:209,945,169, A>T. VCF-style: chr2-209945169-A-T. GRCh37 (hg19) VCF-style: chr2-210809893-A-T.
Other names: c.6971A>T, p.Glu2324Val (NM_032504.2); c.6956A>T, p.Glu2319Val (NM_182587.4); short protein forms E2324V, E2390V, E2319V.
Identifiers: ClinVar variation 2523360 (VCV002523360.3), dbSNP rs2091853387, ClinGen allele CA350774117.
Genomic context (GRCh38, chr2:209,945,169, plus strand): 5'-TGCAGTCCCTAGAGGGAGAGACCACCGACATATTAGACATCTTAGAGCTGGTCAAAGCTG[A>T]GAAGCCTCTCAAGTCATTAGGTAAAAGCAAAACTTGCTTTGACATTCTTTTTCTCACTGC-3'
Protein context (NP_001358915.1, residues 2380-2400): ILDILELVKA[Glu2390Val]KPLKSLDFCY

ClinVar aggregate classification (germline): Uncertain significance. Review status: criteria provided, multiple submitters, no conflicts (2 of 4 stars). 2 submissions from 2 submitters: Uncertain significance (2). Last evaluated 2026-01-24.

Conditions:
Inborn genetic diseases. Identifiers: MedGen C0950123, MeSH D030342.

Allele frequency attached by ClinVar (database versions not stated): gnomAD exomes 0.00001.
gnomAD v4.1: 5 of 1,550,900 alleles (0.00032%); highest among the groups gnomAD compares: Non-Finnish European, 0.00044%; no homozygotes.

Submissions (2):

Labcorp Genetics (formerly Invitae), Labcorp
Classification: Uncertain significance. Last evaluated: 2026-01-24. Review status: criteria provided, single submitter. Criteria: Invitae Variant Classification Sherloc (09022015). Collection method: clinical testing. Allele origin: germline.
Comment: This sequence change replaces glutamic acid, which is acidic and polar, with valine, which is neutral and non-polar, at codon 2324 of the UNC80 protein (p.Glu2324Val). This variant is not present in population databases (gnomAD no frequency). This variant has not been reported in the literature in individuals affected with UNC80-related conditions. ClinVar contains an entry for this variant (Variation ID: 2523360). Invitae Evidence Modeling of protein sequence and biophysical properties (such as structural, functional, and spatial information, amino acid conservation, physicochemical variation, residue mobility, and thermodynamic stability) indicates that this missense variant is not expected to disrupt UNC80 protein function with a negative predictive value of 80%. In summary, the available evidence is currently insufficient to determine the role of this variant in disease. Therefore, it has been classified as a Variant of Uncertain Significance.

Ambry Genetics
Classification: Uncertain significance for Inborn genetic diseases. Last evaluated: 2023-04-07. Review status: criteria provided, single submitter. Criteria: Ambry Variant Classification Scheme 2023. Collection method: clinical testing. Allele origin: germline.